The following is an entry in ClinVar:

ClinVar aggregate classification (germline): Benign/Likely benign. Review status: criteria provided, multiple submitters, no conflicts (2 of 4 stars). 3 submissions from 3 submitters: Benign (1); Likely benign (2). Last evaluated 2026-07-07.

Conditions:
Familial cancer of breast. Also called: BREAST CANCER, FAMILIAL; Hereditary breast cancer; hereditary breast carcinoma. Identifiers: Orphanet 227535, MedGen C0346153, MONDO:0016419, OMIM 114480. Disease mechanism: loss of function.
Hereditary cancer-predisposing syndrome. Also called: Hereditary Cancer Syndrome; Hereditary neoplastic syndrome; Neoplastic Syndromes, Hereditary; Tumor predisposition. Identifiers: Orphanet 140162, MedGen C0027672, MeSH D009386, MONDO:0015356.

Submissions (3):

Ambry Genetics
Classification: Likely benign for Hereditary cancer-predisposing syndrome. Last evaluated: 2026-07-07. Review status: criteria provided, single submitter. Criteria: Ambry Variant Classification Scheme 2023. Collection method: clinical testing. Allele origin: germline.

Myriad Genetics, Inc.
Classification: Benign for Familial cancer of breast. Last evaluated: 2024-10-09. Review status: criteria provided, single submitter. Criteria: Myriad Autosomal Dominant, Autosomal Recessive and X-Linked Classification Criteria (2023). Collection method: clinical testing. Allele origin: unknown.
Comment: This variant is considered benign. This variant is a silent/synonymous amino acid change and it is not expected to impact splicing.

Labcorp Genetics (formerly Invitae), Labcorp
Classification: Likely benign for Familial cancer of breast. Last evaluated: 2023-03-16. Review status: criteria provided, single submitter. Criteria: Invitae Variant Classification Sherloc (09022015). Collection method: clinical testing. Allele origin: germline.

NM_007194.4(CHEK2):c.1629G>A (p.Leu543=)

Gene: CHEK2 (checkpoint kinase 2; minus strand). Cytogenetic location: 22q12.1.
Variant type: single nucleotide variant.
Coding change: c.1629G>A on transcript NM_007194.4 (MANE Select); coding-DNA position 1629, G replaced by A.
Protein change: p.Leu543=; no amino-acid change (leucine 543 retained).
Molecular consequence: synonymous variant.
Genome position (GRCh38, 1-based): chr22:28,687,900, C>T on the plus strand (G>A on the coding strand, the complement: CHEK2 is on the minus strand). VCF-style: chr22-28687900-C-T. GRCh37 (hg19) VCF-style: chr22-29083888-C-T.
Other names: c.1629G>A (NM_007194.3); c.1542G>A, p.Leu514= (NM_145862.3); c.1758G>A, p.Leu586= (NM_001005735.3); c.966G>A, p.Leu322= (NM_001257387.3); c.1428G>A, p.Leu476= (NM_001349956.3).
Identifiers: ClinVar variation 2846123 (VCV002846123.5), dbSNP rs2517746590, ClinGen allele CA513944631.
Genomic context (GRCh38, chr22:28,687,900, plus strand): 5'-AAAGAAAGATGACAGAGTGAAAGAAGGTACATTTCTTTCGTGTTCAAACCACGGAGTTCA[C>T]AACACAGCAGCACACACAGCTGGGCGCTTTGTGGTCTCGGCACCCTCGGCTTCCCCTTCA-3'
Protein context (NP_009125.1, residues 533-543): TKRPAVCAAV[Leu543=]